The following is an entry in ClinVar:

NM_000157.4(GBA1):c.231C>G (p.Ser77Arg)

Genes: GBA1 (glucosylceramidase beta 1; minus strand), LOC106627981 (GBA recombination region; plus strand). Cytogenetic location: 1q22.
Variant type: single nucleotide variant.
Coding change: c.231C>G on transcript NM_000157.4 (MANE Select); coding-DNA position 231, C replaced by G.
Protein change: p.Ser77Arg; replaces serine 77 with arginine.
Molecular consequence: missense variant. On other transcripts: 5 prime UTR variant (1).
Genome position (GRCh38, 1-based): chr1:155,239,962, G>C on the plus strand (C>G on the coding strand, the complement: GBA1 is on the minus strand). VCF-style: chr1-155239962-G-C. GRCh37 (hg19) VCF-style: chr1-155209753-G-C.
Other names: c.231C>G, p.Ser77Arg (NM_001005741.3, NM_001005742.3, NM_001171812.2); c.-31C>G (NM_001171811.2); short protein forms S77R.
Identifiers: ClinVar variation 3375400 (VCV003375400.1).

ClinVar aggregate classification (germline): Uncertain significance (1 of 4 stars; one submission).

gnomAD v4.1: 2 of 1,614,102 alleles (0.00012%); highest among the groups gnomAD compares: East Asian, 0.0022%; no homozygotes.

Submission:

Women's Health and Genetics/Laboratory Corporation of America, LabCorp
Classification: Uncertain significance. Last evaluated: 2024-09-18. Review status: criteria provided, single submitter. Criteria: LabCorp Variant Classification Summary - May 2015. Collection method: clinical testing. Allele origin: germline.
Comment: Variant summary: GBA1 c.231C>G (p.Ser77Arg) results in a non-conservative amino acid change in the encoded protein sequence. Three of five in-silico tools predict a damaging effect of the variant on protein function. The variant allele was found at a frequency of 1.2e-06 in 1614102 control chromosomes. To our knowledge, no occurrence of c.231C>G in individuals affected with Gaucher Disease has been reported. At least one publication reports experimental evidence evaluating an impact on protein function. The most pronounced variant effect results in ~50% of normal beta-glucosidase activity in HEK293T cells (Chen_2023). The following publication has been ascertained in the context of this evaluation (PMID: 37280314). No submitters have cited clinical-significance assessments for this variant to ClinVar. Based on the evidence outlined above, the variant was classified as VUS-possibly pathogenic.

Literature cited by the submitters: PubMed 37280314.